The following is an entry in ClinVar:

NM_173689.7(CRB2):c.3291_3292del (p.Cys1098fs)

Gene: CRB2 (crumbs cell polarity complex component 2; plus strand). Cytogenetic location: 9q33.3.
Variant type: Deletion.
Coding change: c.3291_3292del on transcript NM_173689.7 (MANE Select); coding-DNA positions 3291 to 3292, 2 bases deleted (CT; older notation c.3291_3292delCT).
Protein change: p.Cys1098fs; shifts the reading frame from cysteine 1098.
Molecular consequence: frameshift variant. On other transcripts: non-coding transcript variant (1).
Genome position (GRCh38, 1-based): chr9:123,373,822-123,373,823, CT deleted. VCF-style (leftmost placement, unchanged base first): chr9-123373821-CCT-C. GRCh37 (hg19) VCF-style: chr9-126136100-CCT-C.
Other names: short protein forms C1098fs.
Identifiers: ClinVar variation 419404 (VCV000419404.5), dbSNP rs1064793849, ClinGen allele CA16618731.
Genomic context (GRCh38, chr9:123,373,821, plus strand): 5'-CCTTTGCCTGCGCCTGCGGCCCGGGGTGGGAAGGCCCGCGCTGCGAAGCCCACGTCGACC[CCT>C]GTCACTCCGCCCCCTGCGCCCGTGGCCGCTGTCACACGCACCCCGACGGCCGCTTCGAGT-3'

ClinVar aggregate classification (germline): Pathogenic. Review status: criteria provided, multiple submitters, no conflicts (2 of 4 stars). 3 submissions from 3 submitters: Pathogenic (2). 1 of the submissions does not count toward it. Last evaluated 2024-01-15.

Conditions:
CRB2-related disorder. Also called: CRB2-related condition; CRB2-related disorders.

Allele frequency attached by ClinVar (database versions not stated): gnomAD exomes 0.00001 and 0.00002; TOPMed 0.00001.

Submissions (3):

Blueprint Genetics
Classification: Pathogenic for CRB2-related disorders. Last evaluated: 2024-01-15. Review status: criteria provided, single submitter. Criteria: ACMG Guidelines, 2015. Collection method: clinical testing. Allele origin: germline. Affected: yes. Observed: 2 variant alleles.

GeneDx
Classification: Pathogenic. Last evaluated: 2015-07-02. Review status: criteria provided, single submitter. Criteria: GeneDx Variant Classification (06012015). Collection method: clinical testing. Allele origin: germline. Affected: yes.
Comment: The c.3291_3292delCT deletion in the CRB2 gene has not been reported previously as a pathogenic variant nor as a benign polymorphism, to our knowledge. The c.3291_3292delCT deletion causes aframeshift starting with codon Cysteine 1098, changes this amino acid to a Serine residue, and creates apremature Stop codon at position 53 of the new reading frame, denoted p.Cys1098SerfsX53. Thisdeletion is predicted to cause loss of normal protein function either through protein truncation or nonsense-mediated mRNA decay. The c.3291_3292delCT variant was not observed in approximately 5,300 individuals ofEuropean and African American ancestry in the NHLBI Exome Sequencing Project, indicating it is not acommon benign variant in these populations. We interpret c.3291_3292delCT as a pathogenic variant.

PreventionGenetics, part of Exact Sciences
Classification: Pathogenic for CRB2-related condition. Last evaluated: 2024-05-24. Review status: no assertion criteria provided. Collection method: clinical testing. Allele origin: germline. Not counted in ClinVar's aggregate classification.
Comment: The CRB2 c.3291_3292delCT variant is predicted to result in a frameshift and premature protein termination (p.Cys1098Serfs*53). This variant along with a second variant in this gene was reported in an individual with autosomal recessive CRB2-related syndrome (Table 3, Lamont et al 2016. PubMed ID: 27004616). This variant is reported in 0.0065% of alleles in individuals of East Asian descent in gnomAD. Frameshift variants in CRB2 are expected to be pathogenic. This variant is interpreted as pathogenic.